The following is an entry in ClinVar:

NM_177973.2(SULT2B1):c.15C>T (p.Ala5=)

Gene: SULT2B1 (sulfotransferase family 2B member 1; plus strand). Cytogenetic location: 19q13.33.
Variant type: single nucleotide variant.
Coding change: c.15C>T on transcript NM_177973.2 (MANE Select); coding-DNA position 15, C replaced by T.
Protein change: p.Ala5=; no amino-acid change (alanine 5 retained).
Molecular consequence: synonymous variant.
Genome position (GRCh38, 1-based): chr19:48,552,267, C>T. VCF-style: chr19-48552267-C-T. GRCh37 (hg19) VCF-style: chr19-49055524-C-T.
Identifiers: ClinVar variation 711605 (VCV000711605.31), dbSNP rs16982141, ClinGen allele CA9552935.

ClinVar aggregate classification (germline): Benign/Likely benign. Review status: criteria provided, multiple submitters, no conflicts (2 of 4 stars). 3 submissions from 3 submitters: Benign (2); Likely benign (1). Last evaluated 2026-01-08.

Allele frequency attached by ClinVar (database versions not stated): 1000 Genomes Project 0.00200; 1000 Genomes Project 30x 0.00219; gnomAD 0.00348; TOPMed 0.00554; ESP Exome Variant Server 0.00592.
gnomAD v4.1: 10,020 of 1,613,932 alleles (0.62%); highest among the groups gnomAD compares: South Asian, 1%; 50 homozygotes.

Submissions (3):

Labcorp Genetics (formerly Invitae), Labcorp
Classification: Benign. Last evaluated: 2026-01-08. Review status: criteria provided, single submitter. Criteria: Invitae Variant Classification Sherloc (09022015). Collection method: clinical testing. Allele origin: germline.

CeGaT Center for Human Genetics Tuebingen
Classification: Likely benign. Last evaluated: 2024-02-01. Review status: criteria provided, single submitter. Criteria: CeGaT Center For Human Genetics Tuebingen Variant Classification Criteria Version 2. Collection method: clinical testing. Allele origin: germline. Affected: yes. Observed: 1 variant allele.
Comment: SULT2B1: BP4, BP7, BS2

Breakthrough Genomics
Classification: Benign. Review status: criteria provided, single submitter. Criteria: ACMG Guidelines, 2015. Collection method: not provided. Allele origin: germline. Inheritance: Autosomal recessive inheritance. Affected: yes.